The following is an entry in ClinVar:

NM_032444.4(SLX4):c.928C>T (p.Arg310Ter)

Gene: SLX4 (SLX4 structure-specific endonuclease subunit; minus strand). Cytogenetic location: 16p13.3.
Variant type: single nucleotide variant.
Coding change: c.928C>T on transcript NM_032444.4 (MANE Select); coding-DNA position 928, C replaced by T.
Protein change: p.Arg310Ter; replaces arginine 310 with a stop codon.
Molecular consequence: nonsense.
Genome position (GRCh38, 1-based): chr16:3,602,140, G>A on the plus strand (C>T on the coding strand, the complement: SLX4 is on the minus strand). VCF-style: chr16-3602140-G-A. GRCh37 (hg19) VCF-style: chr16-3652141-G-A.
Other names: short protein forms R310*.
Identifiers: ClinVar variation 5005582 (VCV005005582.2).
Genomic context (GRCh38, chr16:3,602,140, plus strand): 5'-ACATACACGGGAGAGGCGACGGCCCAAGCTGCCCCCACCTGTTCACATGCTGTTCCCTTC[G>A]GGTCACGTTCATGGCTGAGAGGTTCTTTTGACAAATCTGGCAGAAGAACAAACCCTTTTC-3'

ClinVar aggregate classification (germline): Likely pathogenic (1 of 4 stars; one submission).

Conditions:
Fanconi anemia complementation group P. Also called: SLX4-Related Fanconi Anemia. Identifiers: Orphanet 84, MedGen C3469542, MONDO:0013499, OMIM 613951.

gnomAD v4.1: 5 of 1,614,090 alleles (0.00031%); highest among the groups gnomAD compares: Non-Finnish European, 0.00034%; no homozygotes.

Submission:

Juno Genomics, Hangzhou Juno Genomics, Inc
Classification: Likely pathogenic for Fanconi anemia complementation group P. Review status: criteria provided, single submitter. Criteria: ACMG Guidelines, 2015. Collection method: clinical testing. Allele origin: germline.
Comment: Null variant in a gene where loss of function (LOF) is a known mechanism of disease.;Absent from controls (or at extremely low frequency if recessive) in Genome Aggregation Database.